The following is an entry in ClinVar:

ClinVar aggregate classification (germline): Likely benign (1 of 4 stars; one submission).

Conditions:
MYO5B-related disorder. Also called: MYO5B-related condition.

gnomAD v4.1: 4 of 1,613,948 alleles (0.00025%); highest among the groups gnomAD compares: African/African-American, 0.0053%; no homozygotes.

Submission:

PreventionGenetics, part of Exact Sciences
Classification: Likely benign for MYO5B-related condition. Last evaluated: 2026-01-16. Review status: criteria provided, single submitter. Criteria: ACMG Guidelines, 2015. Collection method: clinical testing. Allele origin: germline.
Comment: This variant is classified as likely benign based on ACMG/AMP sequence variant interpretation guidelines (Richards et al. 2015 PMID: 25741868, with internal and published modifications).

NM_001080467.3(MYO5B):c.171C>T (p.Asn57=)

Gene: MYO5B (myosin VB; minus strand). Cytogenetic location: 18q21.1.
Variant type: single nucleotide variant.
Coding change: c.171C>T on transcript NM_001080467.3 (MANE Select); coding-DNA position 171, C replaced by T.
Protein change: p.Asn57=; no amino-acid change (asparagine 57 retained).
Molecular consequence: synonymous variant.
Genome position (GRCh38, 1-based): chr18:50,040,282, G>A on the plus strand (C>T on the coding strand, the complement: MYO5B is on the minus strand). VCF-style: chr18-50040282-G-A. GRCh37 (hg19) VCF-style: chr18-47566652-G-A.
Identifiers: ClinVar variation 4987498 (VCV004987498.1).